The following is an entry in ClinVar:

ClinVar aggregate classification (germline): Uncertain significance (1 of 4 stars; one submission).

Submission:

Labcorp Genetics (formerly Invitae), Labcorp
Classification: Uncertain significance. Last evaluated: 2024-12-02. Review status: criteria provided, single submitter. Criteria: Invitae Variant Classification Sherloc (09022015). Collection method: clinical testing. Allele origin: germline.
Comment: This sequence change replaces lysine, which is basic and polar, with glutamic acid, which is acidic and polar, at codon 470 of the ADNP protein (p.Lys470Glu). This variant is not present in population databases (gnomAD no frequency). This variant has not been reported in the literature in individuals affected with ADNP-related conditions. An algorithm developed to predict the effect of missense changes on protein structure and function (PolyPhen-2) suggests that this variant is likely to be disruptive. In summary, the available evidence is currently insufficient to determine the role of this variant in disease. Therefore, it has been classified as a Variant of Uncertain Significance.

NM_001282531.3(ADNP):c.1408A>G (p.Lys470Glu)

Gene: ADNP (activity dependent neuroprotector homeobox; minus strand). Cytogenetic location: 20q13.13.
Variant type: single nucleotide variant.
Coding change: c.1408A>G on transcript NM_001282531.3 (MANE Select); coding-DNA position 1408, A replaced by G.
Protein change: p.Lys470Glu; replaces lysine 470 with glutamic acid.
Molecular consequence: missense variant.
Genome position (GRCh38, 1-based): chr20:50,893,306, T>C on the plus strand (A>G on the coding strand, the complement: ADNP is on the minus strand). VCF-style: chr20-50893306-T-C. GRCh37 (hg19) VCF-style: chr20-49509843-T-C.
Other names: c.1408A>G, p.Lys470Glu (NM_001282532.2, NM_001347511.2, NM_015339.5 and 1 more transcripts); short protein forms K470E.
Identifiers: ClinVar variation 3726475 (VCV003726475.2).
Genomic context (GRCh38, chr20:50,893,306, plus strand): 5'-TGCTAGTAAAATTGTGTATTTTCATAATGTAGTTGGCTACTGCTGGGACTTTCTCAGCTT[T>C]ATGTTCTTTTTCGAAGTGCACACTATAGACATTTTCAGGAAAAAGCTCATTACAGATTGT-3'
Protein context (NP_001269460.1, residues 460-480): VYSVHFEKEH[Lys470Glu]AEKVPAVANY